The following is an entry in ClinVar:

NM_000204.5(CFI):c.1624G>A (p.Gly542Ser)

Gene: CFI (complement factor I; minus strand). Cytogenetic location: 4q25.
Variant type: single nucleotide variant.
Coding change: c.1624G>A on transcript NM_000204.5 (MANE Select); coding-DNA position 1624, G replaced by A.
Protein change: p.Gly542Ser; replaces glycine 542 with serine.
Molecular consequence: missense variant. On other transcripts: non-coding transcript variant (3), intron variant (5).
Genome position (GRCh38, 1-based): chr4:109,741,021, C>T on the plus strand (G>A on the coding strand, the complement: CFI is on the minus strand). VCF-style: chr4-109741021-C-T. GRCh37 (hg19) VCF-style: chr4-110662177-C-T.
Other names: c.1648G>A, p.Gly550Ser (NM_001318057.2); c.1603G>A, p.Gly535Ser (NM_001331035.2); c.1567G>A, p.Gly523Ser (NM_001375283.1); c.1015G>A, p.Gly339Ser (NM_001375284.1); c.1513+1470G>A (NM_001375282.1, NM_001375280.1); c.1534+1470G>A (NM_001375281.1, NM_001375279.1); c.1558+1470G>A (NM_001375278.1); short protein forms G535S, G523S, G542S, G339S, G550S.
Identifiers: ClinVar variation 2891695 (VCV002891695.5), dbSNP rs747755806, ClinGen allele CA3041853.

ClinVar aggregate classification (germline): Conflicting classifications of pathogenicity. Review status: criteria provided, conflicting classifications (1 of 4 stars). 3 submissions from 3 submitters: Likely pathogenic, low penetrance (1); Uncertain significance (2). Last evaluated 2025-09-26.

Conditions:
CFI-related disorder. Also called: CFI-related disorders; CFI-related condition. Identifiers: MedGen CN239325.

Allele frequency attached by ClinVar (database versions not stated): ExAC 0.00001; gnomAD 0.00001; gnomAD exomes 0.00001; TOPMed 0.00001.
gnomAD v4.1: 7 of 1,614,076 alleles (0.00043%); highest among the groups gnomAD compares: Non-Finnish European, 0.00059%; no homozygotes.

Submissions (3):

Genomenon, Inc
Classification: Likely pathogenic, low penetrance for CFI-related disorder. Last evaluated: 2025-09-26. Review status: criteria provided, single submitter. Criteria: Genomenon Sequence Variant Interpretation Standards - Updated. Collection method: curation. Allele origin: germline. Affected: no.
Comment: CFI p.Gly542Ser (c.1624G>A) is a missense variant that changes the amino acid at residue 542 from Glycine to Serine. To our knowledge, this variant has not been reported in patients affected with CFI-related disorders in the published literature. At least one functional study has demonstrated a substantial alteration in protein function relative to the wild-type (PMID:32510551). It is absent or not present at a significant frequency in gnomAD. In silico models agree that this variant is possibly or probably damaging. In conclusion, we classify CFI p.Gly542Ser (c.1624G>A) as a likely pathogenic, low penetrance variant.

Labcorp Genetics (formerly Invitae), Labcorp
Classification: Uncertain significance. Last evaluated: 2024-10-29. Review status: criteria provided, single submitter. Criteria: Invitae Variant Classification Sherloc (09022015). Collection method: clinical testing. Allele origin: germline.
Comment: This sequence change replaces glycine, which is neutral and non-polar, with serine, which is neutral and polar, at codon 542 of the CFI protein (p.Gly542Ser). This variant is present in population databases (rs747755806, gnomAD 0.0009%). This missense change has been observed in individual(s) with clinical features of CFI-related conditions (PMID: 32510551). Invitae Evidence Modeling of protein sequence and biophysical properties (such as structural, functional, and spatial information, amino acid conservation, physicochemical variation, residue mobility, and thermodynamic stability) indicates that this missense variant is expected to disrupt CFI protein function with a positive predictive value of 80%. Experimental studies have shown that this missense change affects CFI function (PMID: 32510551). Algorithms developed to predict the effect of sequence changes on RNA splicing suggest that this variant may create or strengthen a splice site. In summary, the available evidence is currently insufficient to determine the role of this variant in disease. Therefore, it has been classified as a Variant of Uncertain Significance.

Blueprint Genetics
Classification: Uncertain significance. Last evaluated: 2024-04-25. Review status: criteria provided, single submitter. Criteria: ACMG Guidelines, 2015. Collection method: clinical testing. Allele origin: germline.

Literature cited by the submitters: PubMed 32510551 (cited by Genomenon, Inc and Labcorp Genetics (formerly Invitae), Labcorp).